The following is an entry in ClinVar:

NM_001267550.2(TTN):c.62939T>A (p.Met20980Lys)

Genes: TTN (titin; minus strand), TTN-AS1 (TTN antisense RNA 1; plus strand). Cytogenetic location: 2q31.2.
Variant type: single nucleotide variant.
Coding change: c.62939T>A on transcript NM_001267550.2 (MANE Select); coding-DNA position 62939, T replaced by A.
Protein change: p.Met20980Lys; replaces methionine 20980 with lysine.
Molecular consequence: missense variant.
Genome position (GRCh38, 1-based): chr2:178,588,786, A>T on the plus strand (T>A on the coding strand, the complement: TTN is on the minus strand). VCF-style: chr2-178588786-A-T. GRCh37 (hg19) VCF-style: chr2-179453513-A-T.
Other names: p.Met19339Lys; c.58016T>A, p.Met19339Lys (NM_001256850.1); c.35744T>A, p.Met11915Lys (NM_003319.4); c.55235T>A, p.Met18412Lys (NM_133378.4); c.36119T>A, p.Met12040Lys (NM_133432.3); c.36320T>A, p.Met12107Lys (NM_133437.4); short protein forms M19339K, M20980K, M12040K, M18412K, M12107K, M11915K.
Identifiers: ClinVar variation 515494 (VCV000515494.2), dbSNP rs757789191, ClinGen allele CA349458764.

ClinVar aggregate classification (germline): Conflicting classifications of pathogenicity. Review status: criteria provided, conflicting classifications (1 of 4 stars). 2 submissions from 2 submitters: Uncertain significance (1); Likely benign (1). Last evaluated 2025-07-30.

Allele frequency attached by ClinVar (database versions not stated): gnomAD 0.00001.
gnomAD v4.1: 2 of 1,613,232 alleles (0.00012%); highest among the groups gnomAD compares: Non-Finnish European, 0.00017%; no homozygotes.

Submissions (2):

Mayo Clinic Laboratories, Mayo Clinic
Classification: Uncertain significance. Last evaluated: 2025-07-30. Review status: criteria provided, single submitter. Criteria: ACMG Guidelines, 2015. Collection method: clinical testing. Allele origin: germline. Observed: 1 variant allele.

GeneDx
Classification: Likely benign. Last evaluated: 2018-02-09. Review status: criteria provided, single submitter. Criteria: GeneDx Variant Classification (06012015). Collection method: clinical testing. Allele origin: germline. Affected: yes.
Comment: This variant is considered likely benign or benign based on one or more of the following criteria: it is a conservative change, it occurs at a poorly conserved position in the protein, it is predicted to be benign by multiple in silico algorithms, and/or has population frequency not consistent with disease.